The following is an entry in ClinVar:

ClinVar aggregate classification (germline): Uncertain significance (1 of 4 stars; one submission).

Submission:

Labcorp Genetics (formerly Invitae), Labcorp
Classification: Uncertain significance. Last evaluated: 2025-06-12. Review status: criteria provided, single submitter. Criteria: Invitae Variant Classification Sherloc (09022015). Collection method: clinical testing. Allele origin: germline.
Comment: This sequence change creates a premature translational stop signal (p.Lys808*) in the RASA2 gene. It is expected to result in an absent or disrupted protein product. However, the current clinical and genetic evidence is not sufficient to establish whether loss-of-function variants in RASA2 cause disease. This variant is not present in population databases (gnomAD no frequency). This variant has not been reported in the literature in individuals affected with RASA2-related conditions. ClinVar contains an entry for this variant (Variation ID: 2816385). In summary, the available evidence is currently insufficient to determine the role of this variant in disease. Therefore, it has been classified as a Variant of Uncertain Significance.

NM_006506.5(RASA2):c.2421dup (p.Lys808Ter)

Gene: RASA2 (RAS p21 protein activator 2; plus strand). Cytogenetic location: 3q23.
Variant type: Duplication.
Coding change: c.2421dup on transcript NM_006506.5 (MANE Select); coding-DNA position 2421, one base duplicated (T; older notation c.2421dupT).
Protein change: p.Lys808Ter; replaces lysine 808 with a stop codon.
Molecular consequence: nonsense.
Genome position (GRCh38, 1-based): chr3:141,609,968, T duplicated; the last of 3 consecutive T bases (chr3:141,609,966-141,609,968); duplicating any one gives the same sequence. VCF-style (leftmost placement, unchanged base first): chr3-141609965-C-CT. GRCh37 (hg19) VCF-style: chr3-141328807-C-CT.
Other names: c.2433dup, p.Lys812Ter (NM_001303246.3); c.2424dup, p.Lys809Ter (NM_001303245.3); short protein forms K812*, K808*, K809*.
Identifiers: ClinVar variation 2816385 (VCV002816385.3), dbSNP rs2478880360, ClinGen allele CA2739278699.
Genomic context (GRCh38, chr3:141,609,965, plus strand): 5'-AGGACCACAGAAAGAGCCTGATGATTATTCTAACTTTGTAATCGAGGATTCTGTAACAAC[C>CT]TTTAAGACAATTCAGCAAATAAAAAGCATAATTGAGAAGCTGGATGAACCTCATGAAAAA-3'